The following is an entry in ClinVar:

NM_001457.4(FLNB):c.7531G>A (p.Asp2511Asn)

Genes: FLNB (filamin B; plus strand), FLNB-AS1 (FLNB antisense RNA 1; minus strand). Cytogenetic location: 3p14.3.
Variant type: single nucleotide variant.
Coding change: c.7531G>A on transcript NM_001457.4 (MANE Select); coding-DNA position 7531, G replaced by A.
Protein change: p.Asp2511Asn; replaces aspartic acid 2511 with asparagine.
Molecular consequence: missense variant.
Genome position (GRCh38, 1-based): chr3:58,169,703, G>A. VCF-style: chr3-58169703-G-A. GRCh37 (hg19) VCF-style: chr3-58155430-G-A.
Other names: c.7624G>A, p.Asp2542Asn (NM_001164317.2); c.7498G>A, p.Asp2500Asn (NM_001164318.2); c.7459G>A, p.Asp2487Asn (NM_001164319.2); short protein forms D2511N, D2542N, D2500N, D2487N.
Identifiers: ClinVar variation 2804004 (VCV002804004.3), dbSNP rs2471277471, ClinGen allele CA353335462.
Genomic context (GRCh38, chr3:58,169,703, plus strand): 5'-GAGTCAGTGACCAGGTCGTCTACAGAGACCTGCTATAGCGCCATTCCCAAGGCATCCTCG[G>A]ACGCCAGCAAGGTGACCTCTAAGGGGGCAGGGCTCTCAAAGGCCTTTGTGGGCCAGAAGA-3'
Protein context (NP_001448.2, residues 2501-2521): CYSAIPKASS[Asp2511Asn]ASKVTSKGAG

ClinVar aggregate classification (germline): Uncertain significance (1 of 4 stars; one submission).

Submission:

Labcorp Genetics (formerly Invitae), Labcorp
Classification: Uncertain significance. Last evaluated: 2025-01-20. Review status: criteria provided, single submitter. Criteria: Invitae Variant Classification Sherloc (09022015). Collection method: clinical testing. Allele origin: germline.
Comment: This sequence change replaces aspartic acid, which is acidic and polar, with asparagine, which is neutral and polar, at codon 2511 of the FLNB protein (p.Asp2511Asn). This variant is not present in population databases (gnomAD no frequency). This variant has not been reported in the literature in individuals affected with FLNB-related conditions. ClinVar contains an entry for this variant (Variation ID: 2804004). Invitae Evidence Modeling of protein sequence and biophysical properties (such as structural, functional, and spatial information, amino acid conservation, physicochemical variation, residue mobility, and thermodynamic stability) indicates that this missense variant is not expected to disrupt FLNB protein function with a negative predictive value of 95%. In summary, the available evidence is currently insufficient to determine the role of this variant in disease. Therefore, it has been classified as a Variant of Uncertain Significance.